The following is an entry in ClinVar:

NM_002640.4(SERPINB8):c.567+7A>G

Gene: SERPINB8 (serpin family B member 8; plus strand). Cytogenetic location: 18q22.1.
Variant type: single nucleotide variant.
Coding change: c.567+7A>G on transcript NM_002640.4 (MANE Select); 7 bases into the intron after coding-DNA position 567, A replaced by G.
Molecular consequence: intron variant.
Genome position (GRCh38, 1-based): chr18:63,983,728, A>G. VCF-style: chr18-63983728-A-G. GRCh37 (hg19) VCF-style: chr18-61650962-A-G.
Other names: c.567+7A>G (NM_001348367.2, NM_001366198.1, NM_198833.2 and 4 more transcripts); c.21+7A>G (NM_001276490.2); c.28-1365A>G (NM_001348370.2).
Identifiers: ClinVar variation 2060201 (VCV002060201.6), dbSNP rs199724397, ClinGen allele CA8990751.

ClinVar aggregate classification (germline): Likely benign. Review status: criteria provided, single submitter (1 of 4 stars). 2 submissions from 2 submitters: Likely benign (1). 1 of the submissions does not count toward it. Last evaluated 2025-07-23.

Conditions:
SERPINB8-related disorder. Also called: SERPINB8-related condition.

Allele frequency attached by ClinVar (database versions not stated): 1000 Genomes Project 0.00060; 1000 Genomes Project 30x 0.00062; ESP Exome Variant Server 0.00062; ExAC 0.00086; TOPMed 0.00086; gnomAD 0.00108; gnomAD exomes 0.00134.
gnomAD v4.1: 2,080 of 1,609,054 alleles (0.13%); highest among the groups gnomAD compares: Non-Finnish European, 0.16%; 1 homozygote.

Submissions (2):

Labcorp Genetics (formerly Invitae), Labcorp
Classification: Likely benign. Last evaluated: 2025-07-23. Review status: criteria provided, single submitter. Criteria: Invitae Variant Classification Sherloc (09022015). Collection method: clinical testing. Allele origin: germline.

PreventionGenetics, part of Exact Sciences
Classification: Likely benign for SERPINB8-related condition. Last evaluated: 2023-12-29. Review status: no assertion criteria provided. Collection method: clinical testing. Allele origin: germline. Not counted in ClinVar's aggregate classification.
Comment: This variant is classified as likely benign based on ACMG/AMP sequence variant interpretation guidelines (Richards et al. 2015 PMID: 25741868, with internal and published modifications).